The following is an entry in ClinVar:

ClinVar aggregate classification (germline): Uncertain significance (1 of 4 stars; one submission).

Conditions:
Inborn genetic diseases. Identifiers: MedGen C0950123, MeSH D030342.

Submission:

Ambry Genetics
Classification: Uncertain significance for Inborn genetic diseases. Last evaluated: 2024-05-29. Review status: criteria provided, single submitter. Criteria: Ambry Variant Classification Scheme 2023. Collection method: clinical testing. Allele origin: germline.
Comment: The p.K664E variant (also known as c.1990A>G), located in coding exon 17 of the LRRK2 gene, results from an A to G substitution at nucleotide position 1990. The lysine at codon 664 is replaced by glutamic acid, an amino acid with similar properties. This amino acid position is conserved. In addition, this alteration is predicted to be tolerated by in silico analysis. Based on the available evidence, the clinical significance of this variant remains unclear.

NM_198578.4(LRRK2):c.1990A>G (p.Lys664Glu)

Gene: LRRK2 (leucine rich repeat kinase 2; plus strand). Cytogenetic location: 12q12.
Variant type: single nucleotide variant.
Coding change: c.1990A>G on transcript NM_198578.4 (MANE Select); coding-DNA position 1990, A replaced by G.
Protein change: p.Lys664Glu; replaces lysine 664 with glutamic acid.
Molecular consequence: missense variant.
Genome position (GRCh38, 1-based): chr12:40,277,936, A>G. VCF-style: chr12-40277936-A-G. GRCh37 (hg19) VCF-style: chr12-40671738-A-G.
Other names: short protein forms K664E.
Identifiers: ClinVar variation 3292041 (VCV003292041.1).